The following is an entry in ClinVar:

NM_004309.6(ARHGDIA):c.274+39G>A

Genes: ARHGDIA (Rho GDP dissociation inhibitor alpha; minus strand), LOC130061973 (ATAC-STARR-seq lymphoblastoid silent region 9158; plus strand). Cytogenetic location: 17q25.3.
Variant type: single nucleotide variant.
Coding change: c.274+39G>A on transcript NM_004309.6 (MANE Select); 39 bases into the intron after coding-DNA position 274, G replaced by A.
Molecular consequence: intron variant. On other transcripts: missense variant (1).
Genome position (GRCh38, 1-based): chr17:81,869,503, C>T on the plus strand (G>A on the coding strand, the complement: ARHGDIA is on the minus strand). VCF-style: chr17-81869503-C-T. GRCh37 (hg19) VCF-style: chr17-79827379-C-T.
Other names: c.313G>A, p.Gly105Ser (NM_001301243.2); c.274+39G>A (NM_001185078.3, NM_001301242.2, NM_001301240.2 and 2 more transcripts); short protein forms G105S.
Identifiers: ClinVar variation 3348282 (VCV003348282.1).

ClinVar aggregate classification (germline): Uncertain significance (0 of 4 stars; one submission).

Conditions:
ARHGDIA-related disorder. Also called: ARHGDIA-related condition.

Submission:

PreventionGenetics, part of Exact Sciences
Classification: Uncertain significance for ARHGDIA-related condition. Last evaluated: 2024-09-18. Review status: no assertion criteria provided. Collection method: clinical testing. Allele origin: germline.
Comment: The ARHGDIA c.313G>A variant is predicted to result in the amino acid substitution p.Gly105Ser. To our knowledge, this variant has not been reported in the literature or in a large population database, indicating this variant is rare. At this time, the clinical significance of this variant is uncertain due to the absence of conclusive functional and genetic evidence.